The following is an entry in ClinVar:

ClinVar aggregate classification (germline): Uncertain significance. Review status: criteria provided, multiple submitters, no conflicts (2 of 4 stars). 2 submissions from 2 submitters: Uncertain significance (2). Last evaluated 2025-11-15.

Conditions:
Cardiovascular phenotype. Identifiers: MedGen CN230736.
Catecholaminergic polymorphic ventricular tachycardia 1. Also called: RYR2-Related Catecholaminergic Polymorphic Ventricular Tachycardia; VENTRICULAR TACHYCARDIA, CATECHOLAMINERGIC POLYMORPHIC, 1, WITH OR WITHOUT ATRIAL DYSFUNCTION AND/OR DILATED CARDIOMYOPATHY; VENTRICULAR TACHYCARDIA, STRESS-INDUCED POLYMORPHIC 1. Identifiers: Orphanet 3286, MedGen C1631597, MONDO:0011484, OMIM 604772.

Allele frequency attached by ClinVar (database versions not stated): gnomAD exomes below 0.00001; gnomAD 0.00001.
gnomAD v4.1: 3 of 1,321,032 alleles (0.00023%); highest among the groups gnomAD compares: African/African-American, 0.0016%; no homozygotes.

Submissions (2):

Ambry Genetics
Classification: Uncertain significance for Cardiovascular phenotype. Last evaluated: 2025-11-15. Review status: criteria provided, single submitter. Criteria: Ambry Variant Classification Scheme 2023. Collection method: clinical testing. Allele origin: germline.
Comment: The p.D627H variant (also known as c.1879G>C), located in coding exon 36 of the TRDN gene, results from a G to C substitution at nucleotide position 1879. The aspartic acid at codon 627 is replaced by histidine, an amino acid with similar properties. This amino acid position is conserved. In addition, this alteration is predicted to be tolerated by in silico analysis. Since supporting evidence is limited at this time, the clinical significance of this alteration remains unclear.

Labcorp Genetics (formerly Invitae), Labcorp
Classification: Uncertain significance for Catecholaminergic polymorphic ventricular tachycardia 1. Last evaluated: 2021-08-28. Review status: criteria provided, single submitter. Criteria: Invitae Variant Classification Sherloc (09022015). Collection method: clinical testing. Allele origin: germline.
Comment: This sequence change replaces aspartic acid with histidine at codon 627 of the TRDN protein (p.Asp627His). The aspartic acid residue is weakly conserved and there is a moderate physicochemical difference between aspartic acid and histidine. The frequency data for this variant in the population databases is considered unreliable, as metrics indicate insufficient coverage at this position in the ExAC database. This variant has not been reported in the literature in individuals affected with TRDN-related conditions. Algorithms developed to predict the effect of missense changes on protein structure and function are either unavailable or do not agree on the potential impact of this missense change (SIFT: "Deleterious"; PolyPhen-2: "Possibly Damaging"; Align-GVGD: "Class C0"). In summary, the available evidence is currently insufficient to determine the role of this variant in disease. Therefore, it has been classified as a Variant of Uncertain Significance.

NM_006073.4(TRDN):c.1879G>C (p.Asp627His)

Gene: TRDN (triadin; minus strand). Cytogenetic location: 6q22.31.
Variant type: single nucleotide variant.
Coding change: c.1879G>C on transcript NM_006073.4 (MANE Select); coding-DNA position 1879, G replaced by C.
Protein change: p.Asp627His; replaces aspartic acid 627 with histidine.
Molecular consequence: missense variant.
Genome position (GRCh38, 1-based): chr6:123,255,894, C>G on the plus strand (G>C on the coding strand, the complement: TRDN is on the minus strand). VCF-style: chr6-123255894-C-G. GRCh37 (hg19) VCF-style: chr6-123577039-C-G.
Other names: c.1879G>C (NM_006073.2); short protein forms D627H.
Identifiers: ClinVar variation 1359715 (VCV001359715.9), dbSNP rs997711349, ClinGen allele CA147227140.